The following is an entry in ClinVar:

NM_001244008.2(KIF1A):c.1341+7G>T

Gene: KIF1A (kinesin family member 1A; minus strand). Cytogenetic location: 2q37.3.
Variant type: single nucleotide variant.
Coding change: c.1341+7G>T on transcript NM_001244008.2 (MANE Select); 7 bases into the intron after coding-DNA position 1341, G replaced by T.
Molecular consequence: intron variant.
Genome position (GRCh38, 1-based): chr2:240,770,964, C>A on the plus strand (G>T on the coding strand, the complement: KIF1A is on the minus strand). VCF-style: chr2-240770964-C-A. GRCh37 (hg19) VCF-style: chr2-241710381-C-A.
Other names: c.1314+7G>T (NM_001379653.1, NM_001379650.1, NM_001379645.1 and 10 more transcripts); c.1416+7G>T (NM_001379635.1, NM_001330290.2, NM_001379646.1 and 2 more transcripts); c.1389+7G>T (NM_001379637.1, NM_001379648.1); c.1341+7G>T (NM_001320705.2, NM_001379638.1, NM_001330289.2).
Identifiers: ClinVar variation 382567 (VCV000382567.82), dbSNP rs184947396, ClinGen allele CA2208446.

ClinVar aggregate classification (germline): Likely benign. Review status: criteria provided, multiple submitters, no conflicts (2 of 4 stars). 7 submissions from 7 submitters: Likely benign (5). 2 of the submissions do not count toward it. Last evaluated 2026-01-12.

Conditions:
Hereditary spastic paraplegia. Also called: Familial spastic paraparesis. Identifiers: Orphanet 685, MedGen C0037773, MONDO:0019064. Disease mechanism: loss of function.
Neuropathy, hereditary sensory, type 2C. Also called: Hereditary sensory and autonomic neuropathy type IIC; KIF1A-Related HSAN2 (HSAN2C). Identifiers: Orphanet 970, MedGen C3280168, MONDO:0013634, OMIM 614213.
Intellectual disability, autosomal dominant 9 (NESCAVS). Also called: NESCAV SYNDROME; KIF1A-Related Neurodevelopmental Disorder. Identifiers: Orphanet 662367, MedGen C5393830, MONDO:0013656, OMIM 614255.
Hereditary spastic paraplegia 30. Identifiers: Orphanet 101010, MedGen C5235139, MONDO:0012476.

Allele frequency attached by ClinVar (database versions not stated): gnomAD exomes 0.00030 and 0.00056; ExAC 0.00036; 1000 Genomes Project 0.00040; gnomAD 0.00042 and 0.00044; TOPMed 0.00055; 1000 Genomes Project 30x 0.00062; ESP Exome Variant Server 0.00072.
gnomAD v4.1: 858 of 1,609,362 alleles (0.053%); highest among the groups gnomAD compares: Non-Finnish European, 0.068%; no homozygotes.

Submissions (7):

Labcorp Genetics (formerly Invitae), Labcorp
Classification: Likely benign for Hereditary spastic paraplegia 30; Neuropathy, hereditary sensory, type 2C; Intellectual disability, autosomal dominant 9. Last evaluated: 2026-01-12. Review status: criteria provided, single submitter. Criteria: Invitae Variant Classification Sherloc (09022015). Collection method: clinical testing. Allele origin: germline.

Blueprint Genetics
Classification: Likely benign. Last evaluated: 2024-10-14. Review status: criteria provided, single submitter. Criteria: ACMG Guidelines, 2015. Collection method: clinical testing. Allele origin: germline.

CeGaT Center for Human Genetics Tuebingen
Classification: Likely benign. Last evaluated: 2022-10-01. Review status: criteria provided, single submitter. Criteria: CeGaT Center For Human Genetics Tuebingen Variant Classification Criteria Version 2. Collection method: clinical testing. Allele origin: germline. Affected: yes. Observed: 1 variant allele.
Comment: KIF1A: BP4

Genome Diagnostics Laboratory, The Hospital for Sick Children
Classification: Likely benign for Hereditary spastic paraplegia. Last evaluated: 2019-10-01. Review status: criteria provided, single submitter. Criteria: ACMG Guidelines, 2015. Collection method: clinical testing. Allele origin: germline. Affected: yes.

GeneDx
Classification: Likely benign. Last evaluated: 2018-04-25. Review status: criteria provided, single submitter. Criteria: GeneDx Variant Classification Process June 2021. Collection method: clinical testing. Allele origin: germline. Affected: yes.

Clinical Genetics DNA and cytogenetics Diagnostics Lab, Erasmus MC, Erasmus Medical Center
Classification: Likely benign. Review status: no assertion criteria provided. Collection method: clinical testing. Allele origin: germline. Affected: yes. Study: VKGL Data-share Consensus. Not counted in ClinVar's aggregate classification.

Clinical Genetics, Academic Medical Center
Classification: Likely benign. Review status: no assertion criteria provided. Collection method: clinical testing. Allele origin: germline. Affected: yes. Study: VKGL Data-share Consensus. Not counted in ClinVar's aggregate classification.